The following is an entry in ClinVar:

NM_001348800.3(ZBTB20):c.1161T>A (p.Pro387=)

Gene: ZBTB20 (zinc finger and BTB domain containing 20; minus strand). Cytogenetic location: 3q13.31.
Variant type: single nucleotide variant.
Coding change: c.1161T>A on transcript NM_001348800.3 (MANE Select); coding-DNA position 1161, T replaced by A.
Protein change: p.Pro387=; no amino-acid change (proline 387 retained).
Molecular consequence: synonymous variant.
Genome position (GRCh38, 1-based): chr3:114,350,917, A>T on the plus strand (T>A on the coding strand, the complement: ZBTB20 is on the minus strand). VCF-style: chr3-114350917-A-T. GRCh37 (hg19) VCF-style: chr3-114069764-A-T.
Other names: c.1161T>A, p.Pro387= (NM_001164342.2, NM_001348803.3, NM_001393393.1 and 1 more transcripts); c.942T>A, p.Pro314= (NM_001164343.2, NM_001164344.4, NM_001164345.4 and 9 more transcripts).
Identifiers: ClinVar variation 4873111 (VCV004873111.2).

ClinVar aggregate classification (germline): Likely benign (1 of 4 stars; one submission).

Submission:

CeGaT Center for Human Genetics Tuebingen
Classification: Likely benign. Last evaluated: 2026-04-01. Review status: criteria provided, single submitter. Criteria: CeGaT Center For Human Genetics Tuebingen Variant Classification Criteria Version 2. Collection method: clinical testing. Allele origin: germline. Affected: yes. Observed: 1 variant allele.
Comment: ZBTB20: PM2:Supporting, BP4, BP7